The following is an entry in ClinVar:

NM_015272.5(RPGRIP1L):c.1712A>C (p.Asp571Ala)

Gene: RPGRIP1L (RPGRIP1 like; minus strand). Cytogenetic location: 16q12.2.
Variant type: single nucleotide variant.
Coding change: c.1712A>C on transcript NM_015272.5 (MANE Select); coding-DNA position 1712, A replaced by C.
Protein change: p.Asp571Ala; replaces aspartic acid 571 with alanine.
Molecular consequence: missense variant.
Genome position (GRCh38, 1-based): chr16:53,652,975, T>G on the plus strand (A>C on the coding strand, the complement: RPGRIP1L is on the minus strand). VCF-style: chr16-53652975-T-G. GRCh37 (hg19) VCF-style: chr16-53686887-T-G.
Other names: c.1712A>C, p.Asp571Ala (NM_001127897.4, NM_001308334.3, NM_001330538.2); short protein forms D571A.
Identifiers: ClinVar variation 4792329 (VCV004792329.1).
Genomic context (GRCh38, chr16:53,652,975, plus strand): 5'-ACAGAGTCATCTGGCATGATTTCTGGTTTAAATTTGTACTGCTTGGTGCCATAGGCAATA[T>G]CCTTTAATTGGGCTGCAAGAGAAGACACACAGTTTAGAGATTTCAAAATATTGACATGAG-3'
Protein context (NP_056087.2, residues 561-581): RIHKLEAQLK[Asp571Ala]IAYGTKQYKF

ClinVar aggregate classification (germline): Uncertain significance (1 of 4 stars; one submission).

Conditions:
Meckel-Gruber syndrome. Also called: GRUBER SYNDROME; DYSENCEPHALIA SPLANCHNOCYSTICA; Dysencephalia splachnocystica. Identifiers: Orphanet 564, MedGen C0265215, MONDO:0018921.
Joubert syndrome. Also called: Familial aplasia of the vermis; JOUBERT-BOLTSHAUSER SYNDROME; CEREBELLOPARENCHYMAL DISORDER IV. Identifiers: Orphanet 475, MedGen C5979921, MONDO:0018772.

gnomAD v4.1: 1 of 1,612,694 alleles (0.000062%); highest among the groups gnomAD compares: Non-Finnish European, 0.000085%; no homozygotes.

Submission:

Labcorp Genetics (formerly Invitae), Labcorp
Classification: Uncertain significance for Joubert syndrome; Meckel-Gruber syndrome. Last evaluated: 2025-09-29. Review status: criteria provided, single submitter. Criteria: Invitae Variant Classification Sherloc (09022015). Collection method: clinical testing. Allele origin: germline.
Comment: This sequence change replaces aspartic acid, which is acidic and polar, with alanine, which is neutral and non-polar, at codon 571 of the RPGRIP1L protein (p.Asp571Ala). This variant is not present in population databases (gnomAD no frequency). This variant has not been reported in the literature in individuals affected with RPGRIP1L-related conditions. Invitae Evidence Modeling of protein sequence and biophysical properties (such as structural, functional, and spatial information, amino acid conservation, physicochemical variation, residue mobility, and thermodynamic stability) indicates that this missense variant is expected to disrupt RPGRIP1L protein function with a positive predictive value of 80%. In summary, the available evidence is currently insufficient to determine the role of this variant in disease. Therefore, it has been classified as a Variant of Uncertain Significance.